The following is an entry in ClinVar:

ClinVar aggregate classification (germline): Conflicting classifications of pathogenicity. Review status: criteria provided, conflicting classifications (1 of 4 stars). 3 submissions from 3 submitters: Uncertain significance (1); Likely benign (2). Last evaluated 2025-08-12.

Conditions:
Idiopathic generalized epilepsy. Also called: EIG; Generalised epilepsy. Identifiers: MedGen C0270850, MONDO:0005579, OMIM 600669.
Hyperaldosteronism, familial, type IV (HALD4). Also called: FH IV; ALDOSTERONISM, PRIMARY, AND HYPERTENSION. Identifiers: Orphanet 642671, MedGen C4310756, MONDO:0014875, OMIM 617027.

Allele frequency attached by ClinVar (database versions not stated): ExAC 0.00003; 1000 Genomes Project 0.00020.
gnomAD v4.1: 16 of 1,610,866 alleles (0.00099%); highest among the groups gnomAD compares: South Asian, 0.0022%; no homozygotes.

Submissions (3):

Labcorp Genetics (formerly Invitae), Labcorp
Classification: Likely benign for Idiopathic generalized epilepsy; Hyperaldosteronism, familial, type IV. Last evaluated: 2025-08-12. Review status: criteria provided, single submitter. Criteria: Invitae Variant Classification Sherloc (09022015). Collection method: clinical testing. Allele origin: germline.

Women's Health and Genetics/Laboratory Corporation of America, LabCorp
Classification: Uncertain significance. Last evaluated: 2025-05-19. Review status: criteria provided, single submitter. Criteria: LabCorp Variant Classification Summary - May 2015. Collection method: clinical testing. Allele origin: germline.
Comment: Variant summary: CACNA1H c.2454C>G (p.Pro818Pro) alters a conserved nucleotide located close to a canonical splice site and therefore could affect mRNA splicing, leading to a significantly altered protein sequence. Consensus agreement among computation tools predict no significant impact on normal splicing. However, these predictions have yet to be confirmed by functional studies. The variant allele was found at a frequency of 1.6e-05 in 245544 control chromosomes. The available data on variant occurrences in the general population are insufficient to allow any conclusion about variant significance. To our knowledge, no occurrence of c.2454C>G in individuals affected with Idiopathic Generalized Epilepsy and no experimental evidence demonstrating its impact on protein function have been reported. ClinVar contains an entry for this variant (Variation ID: 1576359). Based on the evidence outlined above, the variant was classified as uncertain significance.

Laboratory of Genetics, Children's Clinical University Hospital Latvia
Classification: Likely benign. Last evaluated: 2025-02-16. Review status: criteria provided, single submitter. Criteria: ACMG Guidelines, 2015. Collection method: clinical testing. Allele origin: germline. Affected: yes.

NM_021098.3(CACNA1H):c.2454C>G (p.Pro818=)

Gene: CACNA1H (calcium voltage-gated channel subunit alpha1 H; plus strand). Cytogenetic location: 16p13.3.
Variant type: single nucleotide variant.
Coding change: c.2454C>G on transcript NM_021098.3 (MANE Select); coding-DNA position 2454, C replaced by G.
Protein change: p.Pro818=; no amino-acid change (proline 818 retained).
Molecular consequence: synonymous variant.
Genome position (GRCh38, 1-based): chr16:1,205,116, C>G. VCF-style: chr16-1205116-C-G. GRCh37 (hg19) VCF-style: chr16-1255116-C-G.
Other names: c.2454C>G, p.Pro818= (NM_001005407.2).
Identifiers: ClinVar variation 1576359 (VCV001576359.10), dbSNP rs545917540, ClinGen allele CA7800296.